The following is an entry in ClinVar:

NM_138713.4(NFAT5):c.3766A>G (p.Ile1256Val)

Gene: NFAT5 (nuclear factor of activated T cells 5; plus strand). Cytogenetic location: 16q22.1.
Variant type: single nucleotide variant.
Coding change: c.3766A>G on transcript NM_138713.4 (MANE Select); coding-DNA position 3766, A replaced by G.
Protein change: p.Ile1256Val; replaces isoleucine 1256 with valine.
Molecular consequence: missense variant.
Genome position (GRCh38, 1-based): chr16:69,693,591, A>G. VCF-style: chr16-69693591-A-G. GRCh37 (hg19) VCF-style: chr16-69727494-A-G.
Other names: c.3763A>G, p.Ile1255Val (NM_001113178.3); c.3091A>G, p.Ile1031Val (NM_001367709.1); c.3712A>G, p.Ile1238Val (NM_006599.4); c.3484A>G, p.Ile1162Val (NM_138714.4, NM_173214.3, NM_173215.3); short protein forms I1162V, I1255V, I1031V, I1256V, I1238V.
Identifiers: ClinVar variation 1910359 (VCV001910359.5), dbSNP rs536381098, ClinGen allele CA8135947.
Genomic context (GRCh38, chr16:69,693,591, plus strand): 5'-CTTCCACCTAATCCAATGCCTCAAAGCCAACAAGGAACCATGTTCCAGTCACAGCACTCA[A>G]TAGTTGCCATGCAGAGTAACTCTCCATCCCAGGAACAGCAGCAGCAGCAGCAACAGCAGC-3'
Protein context (NP_619727.2, residues 1246-1266): QGTMFQSQHS[Ile1256Val]VAMQSNSPSQ

ClinVar aggregate classification (germline): Uncertain significance (1 of 4 stars; one submission).

Conditions:
Immunodeficiency. Identifiers: MedGen C0021051, MONDO:0021094, HP:0002721.

Allele frequency attached by ClinVar (database versions not stated): gnomAD exomes 0.00001; ExAC 0.00003; gnomAD 0.00011; 1000 Genomes Project 30x 0.00016; 1000 Genomes Project 0.00020.
gnomAD v4.1: 37 of 1,614,174 alleles (0.0023%); highest among the groups gnomAD compares: African/African-American, 0.0013%; no homozygotes.

Submission:

Labcorp Genetics (formerly Invitae), Labcorp
Classification: Uncertain significance for Immunodeficiency. Last evaluated: 2022-05-03. Review status: criteria provided, single submitter. Criteria: Invitae Variant Classification Sherloc (09022015). Collection method: clinical testing. Allele origin: germline.
Comment: This variant has not been reported in the literature in individuals affected with NFAT5-related conditions. This variant is present in population databases (rs536381098, gnomAD 0.05%), and has an allele count higher than expected for a pathogenic variant. This sequence change replaces isoleucine, which is neutral and non-polar, with valine, which is neutral and non-polar, at codon 1162 of the NFAT5 protein (p.Ile1162Val). In summary, the available evidence is currently insufficient to determine the role of this variant in disease. Therefore, it has been classified as a Variant of Uncertain Significance. Algorithms developed to predict the effect of missense changes on protein structure and function (SIFT, PolyPhen-2, Align-GVGD) all suggest that this variant is likely to be tolerated.